The following is an entry in ClinVar:

ClinVar aggregate classification (germline): Uncertain significance (1 of 4 stars; one submission).

Conditions:
Duchenne muscular dystrophy (DMD). Also called: MUSCULAR DYSTROPHY, PSEUDOHYPERTROPHIC PROGRESSIVE, DUCHENNE TYPE; Duchenne Muscular Dystrophy (DMD). Identifiers: Orphanet 98896, MedGen C0013264, MONDO:0010679, OMIM 310200.

Submission:

Labcorp Genetics (formerly Invitae), Labcorp
Classification: Uncertain significance for Duchenne muscular dystrophy. Last evaluated: 2022-11-15. Review status: criteria provided, single submitter. Criteria: Invitae Variant Classification Sherloc (09022015). Collection method: clinical testing. Allele origin: germline.
Comment: In summary, the available evidence is currently insufficient to determine the role of this variant in disease. Therefore, it has been classified as a Variant of Uncertain Significance. Advanced modeling of protein sequence and biophysical properties (such as structural, functional, and spatial information, amino acid conservation, physicochemical variation, residue mobility, and thermodynamic stability) performed at Invitae indicates that this missense variant is not expected to disrupt DMD protein function. This variant has not been reported in the literature in individuals affected with DMD-related conditions. This variant is not present in population databases (gnomAD no frequency). This sequence change replaces glycine, which is neutral and non-polar, with glutamic acid, which is acidic and polar, at codon 3227 of the DMD protein (p.Gly3227Glu).

NM_004006.3(DMD):c.9680G>A (p.Gly3227Glu)

Gene: DMD (dystrophin; minus strand). Cytogenetic location: Xp21.2.
Variant type: single nucleotide variant.
Coding change: c.9680G>A on transcript NM_004006.3 (MANE Select); coding-DNA position 9680, G replaced by A.
Protein change: p.Gly3227Glu; replaces glycine 3227 with glutamic acid.
Molecular consequence: missense variant.
Genome position (GRCh38, 1-based): chrX:31,204,088, C>T on the plus strand (G>A on the coding strand, the complement: DMD is on the minus strand). VCF-style: chrX-31204088-C-T. GRCh37 (hg19) VCF-style: chrX-31222205-C-T.
Other names: c.9656G>A, p.Gly3219Glu (NM_000109.4); c.9668G>A, p.Gly3223Glu (NM_004009.3); c.9311G>A, p.Gly3104Glu (NM_004010.3); c.5657G>A, p.Gly1886Glu (NM_004011.4); c.5648G>A, p.Gly1883Glu (NM_004012.4); c.2300G>A, p.Gly767Glu (NM_004013.3, NM_004020.4, NM_004021.3 and 2 more transcripts); c.1493G>A, p.Gly498Glu (NM_004014.3); c.476G>A, p.Gly159Glu (NM_004015.3, NM_004016.3, NM_004017.3 and 2 more transcripts); short protein forms G159E, G1883E, G3227E, G1886E, G3223E, G498E, G767E, G3104E.
Identifiers: ClinVar variation 2814377 (VCV002814377.3), dbSNP rs2521067987, ClinGen allele CA412648748.